The following is an entry in ClinVar:

ClinVar aggregate classification (germline): Uncertain significance (1 of 4 stars; one submission).

Allele frequency attached by ClinVar (database versions not stated): TOPMed below 0.00001; gnomAD exomes 0.00001.
gnomAD v4.1: 3 of 1,614,090 alleles (0.00019%); highest among the groups gnomAD compares: East Asian, 0.0022%; no homozygotes.

Submission:

Labcorp Genetics (formerly Invitae), Labcorp
Classification: Uncertain significance. Last evaluated: 2023-05-15. Review status: criteria provided, single submitter. Criteria: Invitae Variant Classification Sherloc (09022015). Collection method: clinical testing. Allele origin: germline.
Comment: This variant is present in population databases (no rsID available, gnomAD 0.0009%). In summary, the available evidence is currently insufficient to determine the role of this variant in disease. Therefore, it has been classified as a Variant of Uncertain Significance. An algorithm developed to predict the effect of missense changes on protein structure and function (PolyPhen-2) suggests that this variant is likely to be tolerated. This variant has not been reported in the literature in individuals affected with DSG1-related conditions. This sequence change replaces serine, which is neutral and polar, with phenylalanine, which is neutral and non-polar, at codon 511 of the DSG1 protein (p.Ser511Phe).

NM_001942.4(DSG1):c.1532C>T (p.Ser511Phe)

Gene: DSG1 (desmoglein 1; plus strand). Cytogenetic location: 18q12.1.
Variant type: single nucleotide variant.
Coding change: c.1532C>T on transcript NM_001942.4 (MANE Select); coding-DNA position 1532, C replaced by T.
Protein change: p.Ser511Phe; replaces serine 511 with phenylalanine.
Molecular consequence: missense variant.
Genome position (GRCh38, 1-based): chr18:31,339,870, C>T. VCF-style: chr18-31339870-C-T. GRCh37 (hg19) VCF-style: chr18-28919833-C-T.
Other names: short protein forms S511F.
Identifiers: ClinVar variation 3020070 (VCV003020070.3), dbSNP rs1261461374, ClinGen allele CA402137763.
Genomic context (GRCh38, chr18:31,339,870, plus strand): 5'-GGACTAATACAGAGCCGAACACTAAAATTACTACCAATACTGGCAGACAAGAAAGTACTT[C>T]TTCCACTAACTATGATACCAGCACAACTTCTACTGACTCTAGCCAAGTATATTCTTCTGA-3'
Protein context (NP_001933.2, residues 501-521): TTNTGRQEST[Ser511Phe]STNYDTSTTS